The following is an entry in ClinVar:

ClinVar aggregate classification (germline): Uncertain significance (1 of 4 stars; one submission).

Conditions:
Dilated cardiomyopathy 1J (CMD1J). Also called: CARDIOMYOPATHY, DILATED, WITH SENSORINEURAL HEARING LOSS, AUTOSOMAL DOMINANT. Identifiers: Orphanet 217622, MedGen C1854368, MONDO:0011541, OMIM 605362.

Submission:

Labcorp Genetics (formerly Invitae), Labcorp
Classification: Uncertain significance for Dilated cardiomyopathy 1J. Last evaluated: 2024-04-06. Review status: criteria provided, single submitter. Criteria: Invitae Variant Classification Sherloc (09022015). Collection method: clinical testing. Allele origin: germline.
Comment: This sequence change replaces glycine, which is neutral and non-polar, with arginine, which is basic and polar, at codon 324 of the EYA4 protein (p.Gly324Arg). This variant also falls at the last nucleotide of exon 11, which is part of the consensus splice site for this exon. This variant is present in population databases (no rsID available, gnomAD 0.01%). This variant has not been reported in the literature in individuals affected with EYA4-related conditions. An algorithm developed to predict the effect of missense changes on protein structure and function (PolyPhen-2) suggests that this variant is likely to be disruptive. Variants that disrupt the consensus splice site are a relatively common cause of aberrant splicing (PMID: 17576681, 9536098). Algorithms developed to predict the effect of sequence changes on RNA splicing suggest that this variant may disrupt the consensus splice site. In summary, the available evidence is currently insufficient to determine the role of this variant in disease. Therefore, it has been classified as a Variant of Uncertain Significance.

Literature cited by the submitters: PubMed 17576681; PubMed 9536098.

NM_004100.5(EYA4):c.970G>A (p.Gly324Arg)

Gene: EYA4 (EYA transcriptional coactivator and phosphatase 4; plus strand). Cytogenetic location: 6q23.2.
Variant type: single nucleotide variant.
Coding change: c.970G>A on transcript NM_004100.5 (MANE Select); coding-DNA position 970, G replaced by A.
Protein change: p.Gly324Arg; replaces glycine 324 with arginine.
Molecular consequence: missense variant.
Genome position (GRCh38, 1-based): chr6:133,468,731, G>A. VCF-style: chr6-133468731-G-A. GRCh37 (hg19) VCF-style: chr6-133789869-G-A.
Other names: c.808G>A, p.Gly270Arg (NM_001301012.2); c.970G>A, p.Gly324Ser (NM_001301013.2); c.901G>A, p.Gly301Arg (NM_001370458.1, NM_172103.4); c.808G>A, p.Gly270Ser (NM_001370459.1); c.970G>A, p.Gly324Arg (NM_172105.4); short protein forms G270R, G270S, G324S, G324R, G301R.
Identifiers: ClinVar variation 3714651 (VCV003714651.2).
Genomic context (GRCh38, chr6:133,468,731, plus strand): 5'-CCCTCTTCAACCTCTACTTATCAGTTGCAGGAATCTCTCCCAGGACTGACTAACCAACCA[G>A]GTACAGATCTTCACCCAGGTGAAATACTTTTATATGTTTTGCAATATCTAATAAAACGGA-3'
Protein context (NP_004091.3, residues 314-334): ESLPGLTNQP[Gly324Arg]EFDTMQSPST